The following is an entry in ClinVar:

ClinVar aggregate classification (germline): Uncertain significance (1 of 4 stars; one submission).

Conditions:
Atrioventricular septal defect 4 (AVSD4). Identifiers: MedGen C3280781, MONDO:0013747, OMIM 614430.

Allele frequency attached by ClinVar (database versions not stated): TOPMed below 0.00001; gnomAD 0.00001; gnomAD exomes 0.00001; ESP Exome Variant Server 0.00008.
gnomAD v4.1: 12 of 1,614,026 alleles (0.00074%); highest among the groups gnomAD compares: Admixed American, 0.0017%; no homozygotes.

Submission:

Labcorp Genetics (formerly Invitae), Labcorp
Classification: Uncertain significance for Atrioventricular septal defect 4. Last evaluated: 2024-07-01. Review status: criteria provided, single submitter. Criteria: Invitae Variant Classification Sherloc (09022015). Collection method: clinical testing. Allele origin: germline.
Comment: This sequence change replaces valine, which is neutral and non-polar, with alanine, which is neutral and non-polar, at codon 386 of the GATA4 protein (p.Val386Ala). This variant is not present in population databases (gnomAD no frequency). This variant has not been reported in the literature in individuals affected with GATA4-related conditions. ClinVar contains an entry for this variant (Variation ID: 640915). Advanced modeling of protein sequence and biophysical properties (such as structural, functional, and spatial information, amino acid conservation, physicochemical variation, residue mobility, and thermodynamic stability) performed at Invitae indicates that this missense variant is not expected to disrupt GATA4 protein function with a negative predictive value of 80%. In summary, the available evidence is currently insufficient to determine the role of this variant in disease. Therefore, it has been classified as a Variant of Uncertain Significance.

NM_001308093.3(GATA4):c.1160T>C (p.Val387Ala)

Gene: GATA4 (GATA binding protein 4). Cytogenetic location: 8p23.1.
Variant type: single nucleotide variant.
Coding change: c.1160T>C on transcript NM_001308093.3 (MANE Select); coding-DNA position 1160, T replaced by C.
Protein change: p.Val387Ala; replaces valine 387 with alanine.
Molecular consequence: missense variant.
Genome position (GRCh38, 1-based): chr8:11,758,303, T>C. VCF-style: chr8-11758303-T-C. GRCh37 (hg19) VCF-style: chr8-11615812-T-C.
Other names: c.539T>C, p.Val180Ala (NM_001308094.2, NM_001374273.1); c.413T>C, p.Val138Ala (NM_001374274.1); c.1157T>C, p.Val386Ala (NM_002052.5); short protein forms V180A, V386A, V387A, V138A.
Identifiers: ClinVar variation 640915 (VCV000640915.10), dbSNP rs368991748, ClinGen allele CA172121374.